The following is an entry in ClinVar:

NM_000465.4(BARD1):c.1616T>C (p.Met539Thr)

Gene: BARD1 (BRCA1 associated RING domain 1; minus strand). Cytogenetic location: 2q35.
Variant type: single nucleotide variant.
Coding change: c.1616T>C on transcript NM_000465.4 (MANE Select); coding-DNA position 1616, T replaced by C.
Protein change: p.Met539Thr; replaces methionine 539 with threonine.
Molecular consequence: missense variant. On other transcripts: non-coding transcript variant (3), intron variant (1).
Genome position (GRCh38, 1-based): chr2:214,752,508, A>G on the plus strand (T>C on the coding strand, the complement: BARD1 is on the minus strand). VCF-style: chr2-214752508-A-G. GRCh37 (hg19) VCF-style: chr2-215617232-A-G.
Other names: c.1559T>C, p.Met520Thr (NM_001282543.2); c.263T>C, p.Met88Thr (NM_001282545.2); c.206T>C, p.Met69Thr (NM_001282548.2); c.365-22000T>C (NM_001282549.2); short protein forms M520T, M69T, M539T, M88T.
Identifiers: ClinVar variation 819670 (VCV000819670.15), dbSNP rs1574756354, ClinGen allele CA350454842.

ClinVar aggregate classification (germline): Uncertain significance. Review status: criteria provided, multiple submitters, no conflicts (2 of 4 stars). 2 submissions from 2 submitters: Uncertain significance (2). Last evaluated 2025-02-05.

Conditions:
Hereditary cancer-predisposing syndrome. Also called: Neoplastic Syndromes, Hereditary; Tumor predisposition; Hereditary Cancer Syndrome; Hereditary neoplastic syndrome. Identifiers: Orphanet 140162, MedGen C0027672, MeSH D009386, MONDO:0015356.
Familial cancer of breast. Also called: BREAST CANCER, FAMILIAL; Hereditary breast cancer; hereditary breast carcinoma. Identifiers: Orphanet 227535, MedGen C0346153, MONDO:0016419, OMIM 114480. Disease mechanism: loss of function.

Allele frequency attached by ClinVar (database versions not stated): gnomAD exomes below 0.00001.
gnomAD v4.1: 1 of 1,613,846 alleles (0.000062%); highest among the groups gnomAD compares: Non-Finnish European, 0.000085%; no homozygotes.

Submissions (2):

Ambry Genetics
Classification: Uncertain significance for Hereditary cancer-predisposing syndrome. Last evaluated: 2025-02-05. Review status: criteria provided, single submitter. Criteria: Ambry Variant Classification Scheme 2023. Collection method: clinical testing. Allele origin: germline.
Comment: The p.M539T variant (also known as c.1616T>C), located in coding exon 7 of the BARD1 gene, results from a T to C substitution at nucleotide position 1616. The methionine at codon 539 is replaced by threonine, an amino acid with similar properties. This amino acid position is well conserved in available vertebrate species. In addition, the in silico prediction for this alteration is inconclusive. Since supporting evidence is limited at this time, the clinical significance of this alteration remains unclear.

Labcorp Genetics (formerly Invitae), Labcorp
Classification: Uncertain significance for Familial cancer of breast. Last evaluated: 2024-10-24. Review status: criteria provided, single submitter. Criteria: Invitae Variant Classification Sherloc (09022015). Collection method: clinical testing. Allele origin: germline.
Comment: This sequence change replaces methionine, which is neutral and non-polar, with threonine, which is neutral and polar, at codon 539 of the BARD1 protein (p.Met539Thr). This variant is not present in population databases (gnomAD no frequency). This variant has not been reported in the literature in individuals affected with BARD1-related conditions. ClinVar contains an entry for this variant (Variation ID: 819670). An algorithm developed to predict the effect of missense changes on protein structure and function (PolyPhen-2) suggests that this variant is likely to be disruptive. In summary, the available evidence is currently insufficient to determine the role of this variant in disease. Therefore, it has been classified as a Variant of Uncertain Significance.